The following is an entry in ClinVar:

NM_004082.5(DCTN1):c.1893A>T (p.Glu631Asp)

Gene: DCTN1 (dynactin subunit 1; minus strand). Cytogenetic location: 2p13.1.
Variant type: single nucleotide variant.
Coding change: c.1893A>T on transcript NM_004082.5 (MANE Select); coding-DNA position 1893, A replaced by T.
Protein change: p.Glu631Asp; replaces glutamic acid 631 with aspartic acid.
Molecular consequence: missense variant. On other transcripts: non-coding transcript variant (1).
Genome position (GRCh38, 1-based): chr2:74,368,093, T>A on the plus strand (A>T on the coding strand, the complement: DCTN1 is on the minus strand). VCF-style: chr2-74368093-T-A. GRCh37 (hg19) VCF-style: chr2-74595220-T-A.
Other names: c.1833A>T, p.Glu611Asp (NM_001135040.3); c.1491A>T, p.Glu497Asp (NM_001135041.3, NM_023019.4); c.1782A>T, p.Glu594Asp (NM_001190836.2); c.1872A>T, p.Glu624Asp (NM_001190837.2); c.1842A>T, p.Glu614Asp (NM_001378991.1); c.1824A>T, p.Glu608Asp (NM_001378992.1); short protein forms E608D, E614D, E611D, E631D, E497D, E594D, E624D.
Identifiers: ClinVar variation 1782102 (VCV001782102.2), dbSNP rs2529131388, ClinGen allele CA347352539.
Genomic context (GRCh38, chr2:74,368,093, plus strand): 5'-GCTGAGTTGCTCCCCAGCAGCTCCTCGCAGCCCAGGCCGCTCTGAACAGTTCTCACTTAG[T>A]TCAAACTTCTCCTGGGCCTGCTTCCGGATCAGCTCTGCCTGTGGGAAAAAGCACCAGGAA-3'
Protein context (NP_004073.2, residues 621-641): LIRKQAQEKF[Glu631Asp]LSENCSERPG

ClinVar aggregate classification (germline): Uncertain significance (1 of 4 stars; one submission).

Conditions:
Inborn genetic diseases. Identifiers: MedGen C0950123, MeSH D030342.

Submission:

Ambry Genetics
Classification: Uncertain significance for Inborn genetic diseases. Last evaluated: 2020-03-23. Review status: criteria provided, single submitter. Criteria: Ambry Variant Classification Scheme 2023. Collection method: clinical testing. Allele origin: germline.
Comment: The p.E631D variant (also known as c.1893A>T), located in coding exon 17 of the DCTN1 gene, results from an A to T substitution at nucleotide position 1893. The glutamic acid at codon 631 is replaced by aspartic acid, an amino acid with highly similar properties. This amino acid position is not well conserved in available vertebrate species. In addition, this alteration is predicted to be tolerated by in silico analysis. Since supporting evidence is limited at this time, the clinical significance of this alteration remains unclear.